The following is an entry in ClinVar:

ClinVar aggregate classification (germline): Conflicting classifications of pathogenicity. Review status: criteria provided, conflicting classifications (1 of 4 stars). 2 submissions from 2 submitters: Uncertain significance (1); Likely benign (1). Last evaluated 2026-01-04.

Conditions:
Cutis laxa, X-linked (OHS). Also called: EDS IX; Occipital horn syndrome. Identifiers: Orphanet 198, MedGen C0268353, MONDO:0010572, OMIM 304150.
X-linked distal spinal muscular atrophy type 3. Also called: SPINAL MUSCULAR ATROPHY, DISTAL, X-LINKED RECESSIVE; ATP7A-Related Distal Motor Neuropathy; NEURONOPATHY, DISTAL HEREDITARY MOTOR, X-LINKED; NEUROPATHY, DISTAL HEREDITARY MOTOR, X-LINKED. Identifiers: Orphanet 139557, MedGen C1845359, MONDO:0010338, OMIM 300489.
Menkes kinky-hair syndrome (MNK). Also called: Copper transport disease; Menkes Disease; Classic Menkes Disease. Identifiers: Orphanet 565, MedGen C0022716, MONDO:0010651, OMIM 309400.

Allele frequency attached by ClinVar (database versions not stated): gnomAD exomes below 0.00001 and 0.00001; ExAC 0.00001; ESP Exome Variant Server 0.00009.
gnomAD v4.1: 4 of 1,210,079 alleles (0.00033%); highest among the groups gnomAD compares: Non-Finnish European, 0.00045%; no homozygotes.

Submissions (2):

Labcorp Genetics (formerly Invitae), Labcorp
Classification: Likely benign for X-linked distal spinal muscular atrophy type 3; Cutis laxa, X-linked; Menkes kinky-hair syndrome. Last evaluated: 2026-01-04. Review status: criteria provided, single submitter. Criteria: Invitae Variant Classification Sherloc (09022015). Collection method: clinical testing. Allele origin: germline.

GeneDx
Classification: Uncertain significance. Last evaluated: 2016-08-11. Review status: criteria provided, single submitter. Criteria: GeneDx Variant Classification (06012015). Collection method: clinical testing. Allele origin: germline. Affected: yes.
Comment: A variant of uncertain significance has been identified in the ATP7A gene. The T601N variant has not been published as a pathogenic variant, nor has it been reported as a benign variant to our knowledge. The T601N variant was not observed with any significant frequency in approximately 6,500 individuals of European and African American ancestry in the NHLBI Exome Sequencing Project. This substitution occurs at a position that is conserved across species and in silico analysis predicts this variant is probably damaging to the protein structure/function. However, the T601N variant is a conservative amino acid substitution, which is not likely to impact secondary protein structure as these residues share similar properties. Therefore, based on the currently available information, it is unclear whether this variant is a pathogenic variant or a rare benign variant.

NM_000052.7(ATP7A):c.1802C>A (p.Thr601Asn)

Gene: ATP7A (ATPase copper transporting alpha; plus strand). Cytogenetic location: Xq21.1.
Variant type: single nucleotide variant.
Coding change: c.1802C>A on transcript NM_000052.7 (MANE Select); coding-DNA position 1802, C replaced by A.
Protein change: p.Thr601Asn; replaces threonine 601 with asparagine.
Molecular consequence: missense variant.
Genome position (GRCh38, 1-based): chrX:78,009,196, C>A. VCF-style: chrX-78009196-C-A. GRCh37 (hg19) VCF-style: chrX-77264693-C-A.
Other names: c.1802C>A, p.Thr601Asn (NM_001282224.2); short protein forms T601N.
Identifiers: ClinVar variation 388532 (VCV000388532.11), dbSNP rs371777895, ClinGen allele CA10459112.
Genomic context (GRCh38, chrX:78,009,196, plus strand): 5'-AAATAGAGTCTAGTCTCACAAAACACAGAGGGATCCTATACTGCTCCGTGGCCCTGGCAA[C>A]CAACAAAGCACATATTAAATATGACCCAGAAATTATTGGTCCTAGAGATATTATCCATAC-3'
Protein context (NP_000043.4, residues 591-611): GILYCSVALA[Thr601Asn]NKAHIKYDPE